The following is an entry in ClinVar:

ClinVar aggregate classification (germline): Conflicting classifications of pathogenicity. Review status: criteria provided, conflicting classifications (1 of 4 stars). 6 submissions from 6 submitters: Uncertain significance (4); Likely benign (2). Last evaluated 2022-10-17.

Conditions:
Inborn genetic diseases. Identifiers: MedGen C0950123, MeSH D030342.
Microcephaly 5, primary, autosomal recessive (MCPH5). Also called: ASPM Primary Microcephaly. Identifiers: Orphanet 2512, MedGen C1837501, MONDO:0012106, OMIM 608716.

Allele frequency attached by ClinVar (database versions not stated): TOPMed 0.00011; ESP Exome Variant Server 0.00015; ExAC 0.00024.
gnomAD v4.1: 134 of 1,612,748 alleles (0.0083%); highest among the groups gnomAD compares: Admixed American, 0.089%; no homozygotes.

Submissions (6):

Labcorp Genetics (formerly Invitae), Labcorp
Classification: Uncertain significance. Last evaluated: 2022-10-17. Review status: criteria provided, single submitter. Criteria: Invitae Variant Classification Sherloc (09022015). Collection method: clinical testing. Allele origin: germline.
Comment: This sequence change replaces arginine, which is basic and polar, with histidine, which is basic and polar, at codon 1713 of the ASPM protein (p.Arg1713His). This variant is present in population databases (rs141297873, gnomAD 0.1%). This variant has not been reported in the literature in individuals affected with ASPM-related conditions. ClinVar contains an entry for this variant (Variation ID: 294625). Advanced modeling of protein sequence and biophysical properties (such as structural, functional, and spatial information, amino acid conservation, physicochemical variation, residue mobility, and thermodynamic stability) performed at Invitae indicates that this missense variant is not expected to disrupt ASPM protein function. In summary, the available evidence is currently insufficient to determine the role of this variant in disease. Therefore, it has been classified as a Variant of Uncertain Significance.

Ambry Genetics
Classification: Likely benign for Inborn genetic diseases. Last evaluated: 2021-10-06. Review status: criteria provided, single submitter. Criteria: Ambry Variant Classification Scheme 2023. Collection method: clinical testing. Allele origin: germline.

GeneDx
Classification: Likely benign. Last evaluated: 2021-01-12. Review status: criteria provided, single submitter. Criteria: GeneDx Variant Classification Process June 2021. Collection method: clinical testing. Allele origin: germline. Affected: yes.
Comment: In silico analysis supports that this missense variant has a deleterious effect on protein structure/function; Missense variant in a gene in which most reported pathogenic variants are truncating/loss-of-function; Has not been previously published as pathogenic or benign to our knowledge

Baylor Genetics
Classification: Uncertain significance for Microcephaly 5, primary, autosomal recessive. Last evaluated: 2018-10-24. Review status: criteria provided, single submitter. Criteria: ACMG Guidelines, 2015. Collection method: clinical testing. Allele origin: paternal. Affected: yes.
Comment: This variant was determined to be of uncertain significance according to ACMG Guidelines, 2015 [PMID:25741868].

Illumina Laboratory Services, Illumina
Classification: Uncertain significance for Microcephaly 5, primary, autosomal recessive. Last evaluated: 2018-01-13. Review status: criteria provided, single submitter. Criteria: ICSL Variant Classification Criteria 13 December 2019. Collection method: clinical testing. Allele origin: germline.

Eurofins Ntd Llc (ga)
Classification: Uncertain significance. Last evaluated: 2017-06-05. Review status: criteria provided, single submitter. Criteria: EGL Classification Definitions 2015. Collection method: clinical testing. Allele origin: germline. Observed: 1 variant allele, 1 heterozygote.

NM_018136.5(ASPM):c.5138G>A (p.Arg1713His)

Gene: ASPM (assembly factor for spindle microtubules; minus strand). Cytogenetic location: 1q31.3.
Variant type: single nucleotide variant.
Coding change: c.5138G>A on transcript NM_018136.5 (MANE Select); coding-DNA position 5138, G replaced by A.
Protein change: p.Arg1713His; replaces arginine 1713 with histidine.
Molecular consequence: missense variant. On other transcripts: intron variant (1).
Genome position (GRCh38, 1-based): chr1:197,104,113, C>T on the plus strand (G>A on the coding strand, the complement: ASPM is on the minus strand). VCF-style: chr1-197104113-C-T. GRCh37 (hg19) VCF-style: chr1-197073243-C-T.
Other names: c.4066-7949G>A (NM_001206846.2); short protein forms R1713H.
Identifiers: ClinVar variation 294625 (VCV000294625.18), dbSNP rs141297873, ClinGen allele CA1309807.